The following is an entry in ClinVar:

ClinVar aggregate classification (germline): Uncertain significance. Review status: criteria provided, multiple submitters, no conflicts (2 of 4 stars). 2 submissions from 2 submitters: Uncertain significance (2). Last evaluated 2022-09-29.

Allele frequency attached by ClinVar (database versions not stated): gnomAD 0.00001; gnomAD exomes 0.00001; ExAC 0.00003.
gnomAD v4.1: 20 of 1,614,028 alleles (0.0012%); highest among the groups gnomAD compares: Non-Finnish European, 0.0017%; no homozygotes.

Submissions (2):

GeneDx
Classification: Uncertain significance. Last evaluated: 2022-09-29. Review status: criteria provided, single submitter. Criteria: GeneDx Variant Classification Process June 2021. Collection method: clinical testing. Allele origin: germline. Affected: yes.
Comment: In silico analysis supports that this missense variant does not alter protein structure/function; Has not been previously published as pathogenic or benign to our knowledge

Labcorp Genetics (formerly Invitae), Labcorp
Classification: Uncertain significance. Last evaluated: 2022-03-01. Review status: criteria provided, single submitter. Criteria: Invitae Variant Classification Sherloc (09022015). Collection method: clinical testing. Allele origin: germline.
Comment: This variant has not been reported in the literature in individuals affected with POLG2-related conditions. This variant is present in population databases (rs782632950, gnomAD 0.006%). This sequence change replaces aspartic acid, which is acidic and polar, with histidine, which is basic and polar, at codon 220 of the POLG2 protein (p.Asp220His). Algorithms developed to predict the effect of missense changes on protein structure and function are either unavailable or do not agree on the potential impact of this missense change (SIFT: "Tolerated"; PolyPhen-2: "Possibly Damaging"; Align-GVGD: "Class C0"). In summary, the available evidence is currently insufficient to determine the role of this variant in disease. Therefore, it has been classified as a Variant of Uncertain Significance.

NM_007215.4(POLG2):c.658G>C (p.Asp220His)

Genes: MILR1 (mast cell immunoglobulin like receptor 1; plus strand), POLG2 (DNA polymerase gamma 2, accessory subunit; minus strand). Cytogenetic location: 17q23.3.
Variant type: single nucleotide variant.
Coding change: c.658G>C on transcript NM_007215.4 (MANE Select); coding-DNA position 658, G replaced by C.
Protein change: p.Asp220His; replaces aspartic acid 220 with histidine.
Molecular consequence: missense variant.
Genome position (GRCh38, 1-based): chr17:64,492,926, C>G on the plus strand (G>C on the coding strand, the complement: POLG2 is on the minus strand). VCF-style: chr17-64492926-C-G. GRCh37 (hg19) VCF-style: chr17-62489043-C-G.
Other names: short protein forms D220H.
Identifiers: ClinVar variation 1707837 (VCV001707837.6), dbSNP rs782632950, ClinGen allele CA8712960.